The following is an entry in ClinVar:

NM_006096.4(NDRG1):c.722G>A (p.Arg241Gln)

Genes: NDRG1 (N-myc downstream regulated 1; minus strand), LOC126860531 (CDK7 strongly-dependent group 2 enhancer GRCh37_chr8:134259869-134261068; plus strand). Cytogenetic location: 8q24.22.
Variant type: single nucleotide variant.
Coding change: c.722G>A on transcript NM_006096.4 (MANE Select); coding-DNA position 722, G replaced by A.
Protein change: p.Arg241Gln; replaces arginine 241 with glutamine.
Molecular consequence: missense variant.
Genome position (GRCh38, 1-based): chr8:133,248,748, C>T on the plus strand (G>A on the coding strand, the complement: NDRG1 is on the minus strand). VCF-style: chr8-133248748-C-T. GRCh37 (hg19) VCF-style: chr8-134260991-C-T.
Other names: c.722G>A, p.Arg241Gln (NM_001135242.2, NM_001374845.1, NM_001374846.1); c.524G>A, p.Arg175Gln (NM_001258432.2, NM_001374847.1); c.479G>A, p.Arg160Gln (NM_001258433.2); c.773G>A, p.Arg258Gln (NM_001374844.1); short protein forms R258Q, R175Q, R241Q, R160Q.
Identifiers: ClinVar variation 965359 (VCV000965359.5), dbSNP rs1463129303, ClinGen allele CA372255207.

ClinVar aggregate classification (germline): Uncertain significance. Review status: criteria provided, single submitter (1 of 4 stars). 2 submissions from 2 submitters: Uncertain significance (1). 1 of the submissions does not count toward it. Last evaluated 2021-08-31.

Conditions:
Charcot-Marie-Tooth disease type 4. Also called: Charcot-Marie-Tooth disease, type IV; Charcot-Marie-Tooth, Type 4. Identifiers: Orphanet 64749, MedGen C4082197, MONDO:0018995.
Charcot-Marie-Tooth disease type 4D. Also called: CHARCOT-MARIE-TOOTH DISEASE, DEMYELINATING, TYPE 4D; NEUROPATHY, HEREDITARY MOTOR AND SENSORY, LOM TYPE; CHARCOT-MARIE-TOOTH DISEASE, DEMYELINATING, AUTOSOMAL RECESSIVE, TYPE 4D; Charcot-Marie-Tooth Neuropathy Type 4D. Identifiers: Orphanet 99950, MedGen C1832334, MONDO:0011085, OMIM 601455.

Allele frequency attached by ClinVar (database versions not stated): gnomAD exomes 0.00001; TOPMed 0.00001.

Submissions (2):

Labcorp Genetics (formerly Invitae), Labcorp
Classification: Uncertain significance for Charcot-Marie-Tooth disease type 4. Last evaluated: 2021-08-31. Review status: criteria provided, single submitter. Criteria: Invitae Variant Classification Sherloc (09022015). Collection method: clinical testing. Allele origin: germline.
Comment: This sequence change replaces arginine with glutamine at codon 241 of the NDRG1 protein (p.Arg241Gln). The arginine residue is highly conserved and there is a small physicochemical difference between arginine and glutamine. This variant is not present in population databases (ExAC no frequency). This variant has not been reported in the literature in individuals affected with NDRG1-related conditions. Algorithms developed to predict the effect of missense changes on protein structure and function are either unavailable or do not agree on the potential impact of this missense change (SIFT: "Deleterious"; PolyPhen-2: "Probably Damaging"; Align-GVGD: "Class C0"). In summary, the available evidence is currently insufficient to determine the role of this variant in disease. Therefore, it has been classified as a Variant of Uncertain Significance.

Natera, Inc.
Classification: Uncertain significance for Charcot-Marie-Tooth disease type 4D. Last evaluated: 2025-03-17. Review status: no assertion criteria provided. Collection method: clinical testing. Allele origin: germline. Not counted in ClinVar's aggregate classification.